The following is an entry in ClinVar:

NM_017763.6(RNF43):c.688-4C>T

Gene: RNF43 (ring finger protein 43; minus strand). Cytogenetic location: 17q22.
Variant type: single nucleotide variant.
Coding change: c.688-4C>T on transcript NM_017763.6 (MANE Select); 4 bases into the intron before coding-DNA position 688, C replaced by T.
Molecular consequence: intron variant.
Genome position (GRCh38, 1-based): chr17:58,360,948, G>A on the plus strand (C>T on the coding strand, the complement: RNF43 is on the minus strand). VCF-style: chr17-58360948-G-A. GRCh37 (hg19) VCF-style: chr17-56438309-G-A.
Other names: c.688-4C>T (NM_001438822.1, NM_001305544.3, NM_001438820.1 and 1 more transcripts); c.307-4C>T (NM_001305545.2, NM_001437987.1).
Identifiers: ClinVar variation 4875697 (VCV004875697.1).

ClinVar aggregate classification (germline): Likely benign (1 of 4 stars; one submission).

Conditions:
Sessile serrated polyposis cancer syndrome (SSPCS). Identifiers: Orphanet 157798, MedGen C4310714, MONDO:0014919, OMIM 617108.

gnomAD v4.1: 4 of 1,559,056 alleles (0.00026%); highest among the groups gnomAD compares: Non-Finnish European, 0.00035%; no homozygotes.

Submission:

Myriad Genetics, Inc.
Classification: Likely benign for Sessile serrated polyposis cancer syndrome. Last evaluated: 2026-06-26. Review status: criteria provided, single submitter. Criteria: Myriad Autosomal Dominant, Autosomal Recessive and X-Linked Classification Criteria (2023). Collection method: clinical testing. Allele origin: unknown.
Comment: This variant is considered likely benign. This variant is intronic and is not expected to impact mRNA splicing.